The following is an entry in ClinVar:

ClinVar aggregate classification (germline): Conflicting classifications of pathogenicity. Review status: criteria provided, conflicting classifications (1 of 4 stars). 3 submissions from 3 submitters: Uncertain significance (1); Benign (1); Likely benign (1). Last evaluated 2025-12-13.

Conditions:
Cardiovascular phenotype. Identifiers: MedGen CN230736.
Dilated cardiomyopathy 1DD (CMD1DD). Identifiers: Orphanet 154, MedGen C2750995, MONDO:0013168, OMIM 613172.

Allele frequency attached by ClinVar (database versions not stated): gnomAD exomes 0.00002; TOPMed 0.00002; gnomAD 0.00003 and 0.00004.
gnomAD v4.1: 52 of 1,551,662 alleles (0.0034%); highest among the groups gnomAD compares: Non-Finnish European, 0.0044%; no homozygotes.

Submissions (3):

Labcorp Genetics (formerly Invitae), Labcorp
Classification: Benign for Dilated cardiomyopathy 1DD. Last evaluated: 2025-12-13. Review status: criteria provided, single submitter. Criteria: Invitae Variant Classification Sherloc (09022015). Collection method: clinical testing. Allele origin: germline.

GeneDx
Classification: Uncertain significance. Last evaluated: 2024-03-28. Review status: criteria provided, single submitter. Criteria: GeneDx Variant Classification Process June 2021. Collection method: clinical testing. Allele origin: germline. Affected: yes.
Comment: Has not been previously published as pathogenic or benign to our knowledge; Not observed at significant frequency in large population cohorts (gnomAD); In silico analysis supports that this missense variant does not alter protein structure/function

Ambry Genetics
Classification: Likely benign for Cardiovascular phenotype. Last evaluated: 2024-01-23. Review status: criteria provided, single submitter. Criteria: Ambry Variant Classification Scheme 2023. Collection method: clinical testing. Allele origin: germline.

Literature cited by the submitters: PubMed 37904629 (cited by Ambry Genetics).

NM_001134363.3(RBM20):c.1186G>T (p.Ala396Ser)

Gene: RBM20 (RNA binding motif protein 20; plus strand). Cytogenetic location: 10q25.2.
Variant type: single nucleotide variant.
Coding change: c.1186G>T on transcript NM_001134363.3 (MANE Select); coding-DNA position 1186, G replaced by T.
Protein change: p.Ala396Ser; replaces alanine 396 with serine.
Molecular consequence: missense variant.
Genome position (GRCh38, 1-based): chr10:110,781,795, G>T. VCF-style: chr10-110781795-G-T. GRCh37 (hg19) VCF-style: chr10-112541553-G-T.
Other names: short protein forms A396S.
Identifiers: ClinVar variation 940883 (VCV000940883.14), dbSNP rs1160693970, ClinGen allele CA378385907.
Genomic context (GRCh38, chr10:110,781,795, plus strand): 5'-ATCGGTGCTGGGCGGAGGGCCAAGGAGGACCAGGCGTTGCTATCTGTGCGGCCCCTGCAG[G>T]CTCATGAGCTGAACGACTTTCACGGTGTGGCCCCCCTCCACTTGCCGCATATCTGTAGCA-3'
Protein context (NP_001127835.2, residues 386-406): QALLSVRPLQ[Ala396Ser]HELNDFHGVA